The following is an entry in ClinVar:

ClinVar aggregate classification (germline): Uncertain significance (1 of 4 stars; one submission).

Conditions:
Familial thoracic aortic aneurysm and aortic dissection (TAAD). Also called: Thoracic aortic aneurysms and dissections. Identifiers: Orphanet 91387, MedGen C4707243, MONDO:0019625.

Submission:

Ambry Genetics
Classification: Uncertain significance for Familial thoracic aortic aneurysm and aortic dissection. Last evaluated: 2025-12-02. Review status: criteria provided, single submitter. Criteria: Ambry Variant Classification Scheme 2023. Collection method: clinical testing. Allele origin: germline.
Comment: The p.G556C variant (also known as c.1666G>T), located in coding exon 12 of the MED12 gene, results from a G to T substitution at nucleotide position 1666. The glycine at codon 556 is replaced by cysteine, an amino acid with highly dissimilar properties. This amino acid position is conserved. In addition, this alteration is predicted to be deleterious by in silico analysis. Based on the available evidence, the clinical significance of this variant remains unclear.

NM_005120.3(MED12):c.1666G>T (p.Gly556Cys)

Genes: MED12 (mediator complex subunit 12; plus strand), LOC126863275 (BRD4-independent group 4 enhancer GRCh37_chrX:70342400-70343599; plus strand). Cytogenetic location: Xq13.1.
Variant type: single nucleotide variant.
Coding change: c.1666G>T on transcript NM_005120.3 (MANE Select); coding-DNA position 1666, G replaced by T.
Protein change: p.Gly556Cys; replaces glycine 556 with cysteine.
Molecular consequence: missense variant.
Genome position (GRCh38, 1-based): chrX:71,123,642, G>T. VCF-style: chrX-71123642-G-T. GRCh37 (hg19) VCF-style: chrX-70343492-G-T.
Other names: short protein forms G556C.
Identifiers: ClinVar variation 4635397 (VCV004635397.1).